The following is an entry in ClinVar:

NC_000019.10:g.49157760G>T

Gene: TRPM4 (transient receptor potential cation channel subfamily M member 4; plus strand). Cytogenetic location: 19q13.33.
Variant type: single nucleotide variant.
Genome position: GRCh38 VCF-style: chr19-49157760-G-T. GRCh37 (hg19) VCF-style: chr19-49661017-G-T.
Identifiers: ClinVar variation 329838 (VCV000329838.36), dbSNP rs112085495, ClinGen allele CA10652683.

ClinVar aggregate classification (germline): Conflicting classifications of pathogenicity. Review status: criteria provided, conflicting classifications (1 of 4 stars). 2 submissions from 2 submitters: Uncertain significance (1); Benign (1). Last evaluated 2023-03-01.

Allele frequency attached by ClinVar (database versions not stated): gnomAD 0.00258 and 0.00285; TOPMed 0.00280; 1000 Genomes Project 30x 0.00468; 1000 Genomes Project 0.00479.

Submissions (2):

CeGaT Center for Human Genetics Tuebingen
Classification: Benign. Last evaluated: 2023-03-01. Review status: criteria provided, single submitter. Criteria: CeGaT Center For Human Genetics Tuebingen Variant Classification Criteria Version 2. Collection method: clinical testing. Allele origin: germline. Affected: yes. Observed: 2 variant alleles.
Comment: TRPM4: BS1, BS2

Breakthrough Genomics
Classification: Uncertain significance. Review status: criteria provided, single submitter. Criteria: ACMG Guidelines, 2015. Collection method: not provided. Allele origin: germline. Inheritance: Autosomal dominant inheritance. Affected: yes.